The following is an entry in ClinVar:

NM_001170629.2(CHD8):c.4204C>T (p.Arg1402Ter)

Gene: CHD8 (chromodomain helicase DNA binding protein 8; minus strand). Cytogenetic location: 14q11.2.
Variant type: single nucleotide variant.
Coding change: c.4204C>T on transcript NM_001170629.2 (MANE Select); coding-DNA position 4204, C replaced by T.
Protein change: p.Arg1402Ter; replaces arginine 1402 with a stop codon.
Molecular consequence: nonsense.
Genome position (GRCh38, 1-based): chr14:21,401,041, G>A on the plus strand (C>T on the coding strand, the complement: CHD8 is on the minus strand). VCF-style: chr14-21401041-G-A. GRCh37 (hg19) VCF-style: chr14-21869200-G-A.
Other names: c.3367C>T, p.Arg1123Ter (NM_020920.4); short protein forms R1123*, R1402*.
Identifiers: ClinVar variation 1220256 (VCV001220256.7), dbSNP rs1334692966, ClinGen allele CA388895710.

ClinVar aggregate classification (germline): Pathogenic/Likely pathogenic. Review status: criteria provided, multiple submitters, no conflicts (2 of 4 stars). 3 submissions from 3 submitters: Pathogenic (2); Likely pathogenic (1). Last evaluated 2025-05-30.

Conditions:
Intellectual developmental disorder with autism and macrocephaly. Also called: CHD8-Related Neurodevelopmental Disorder with Overgrowth; Autism, susceptibility to, 18. Identifiers: Orphanet 642675, MedGen C3554373, MONDO:0014017, OMIM 615032.
CHD8-related disorder. Also called: CHD8-related condition; CHD8-related disorders.

Allele frequency attached by ClinVar (database versions not stated): gnomAD exomes below 0.00001.
gnomAD v4.1: 2 of 1,612,590 alleles (0.00012%); highest among the groups gnomAD compares: Non-Finnish European, 0.00017%; no homozygotes.

Submissions (3):

GeneDx
Classification: Pathogenic. Last evaluated: 2025-05-30. Review status: criteria provided, single submitter. Criteria: GeneDx Variant Classification Process June 2021. Collection method: clinical testing. Allele origin: germline. Affected: yes.
Comment: Nonsense variant predicted to result in protein truncation or nonsense mediated decay in a gene for which loss of function is a known mechanism of disease; Not observed at significant frequency in large population cohorts (gnomAD); This variant is associated with the following publications: (PMID: 30107084, 33004838, 35982159, 34088660, 28475857, 36182950, 31526516, 33057194, 35904121)

MGZ Medical Genetics Center
Classification: Pathogenic for Intellectual developmental disorder with autism and macrocephaly. Last evaluated: 2022-03-31. Review status: criteria provided, single submitter. Criteria: ACMG Guidelines, 2015. Collection method: clinical testing. Allele origin: germline. Affected: yes. Observed: 1 variant allele.
Comment: ACMG criteria applied: PVS1, PS4_SUP, PM2_SUP, PM6_SUP

Rady Children's Institute for Genomic Medicine, Rady Children's Hospital San Diego
Classification: Likely pathogenic for CHD8-related disorders. Review status: criteria provided, single submitter. Criteria: ACMG Guidelines, 2015. Collection method: clinical testing. Allele origin: germline. Affected: yes.
Comment: This nonsense variant found in exon 21 of 37 is predicted to result in loss of normal protein function through either protein truncation or nonsense-mediated mRNA decay (NMD). This variant has been previously reported as a heterozygous change in a patient with intellectual disability and overgrowth (PMID: 28475857). It is present in the heterozygous state in the gnomAD population database at a frequency of 0.0004% (1/246896) and thus is presumed to be rare. The CHD8 gene is constrained against variation (Z-score= 5.95 and pLI = 1), and loss-of-function variants are an established mechanism of disease (HGMD, ClinVar database; PMID: 33023670, 31980904). Based on the available evidence, the c.4204C>T (p.Arg1402Ter) variant is classified as Likely Pathogenic.